The following is an entry in ClinVar:

NM_000179.3(MSH6):c.2095G>T (p.Glu699Ter)

Gene: MSH6 (mutS homolog 6; plus strand). Cytogenetic location: 2p16.3.
Variant type: single nucleotide variant.
Coding change: c.2095G>T on transcript NM_000179.3 (MANE Select); coding-DNA position 2095, G replaced by T.
Protein change: p.Glu699Ter; replaces glutamic acid 699 with a stop codon.
Molecular consequence: nonsense.
Genome position (GRCh38, 1-based): chr2:47,800,078, G>T. VCF-style: chr2-47800078-G-T. GRCh37 (hg19) VCF-style: chr2-48027217-G-T.
Other names: c.1705G>T, p.Glu569Ter (NM_001281492.2); c.1189G>T, p.Glu397Ter (NM_001281493.2, NM_001281494.2); short protein forms E699*, E397*, E569*.
Identifiers: ClinVar variation 492707 (VCV000492707.6), dbSNP rs1553413470, ClinGen allele CA346750880.

ClinVar aggregate classification (germline): Pathogenic. Review status: criteria provided, single submitter (1 of 4 stars). 2 submissions from 2 submitters: Pathogenic (1). 1 of the submissions does not count toward it. Last evaluated 2023-08-16.

Conditions:
Lynch syndrome 5 (LYNCH5). Also called: Colorectal cancer, hereditary nonpolyposis, type 5; Hereditary non-polyposis colorectal cancer, type 5. Identifiers: Orphanet 144, MedGen C1833477, MONDO:0013710, OMIM 614350. Disease mechanism: loss of function.

Submissions (2):

Myriad Genetics, Inc.
Classification: Pathogenic for Lynch syndrome 5. Last evaluated: 2023-08-16. Review status: criteria provided, single submitter. Criteria: Myriad Autosomal Dominant, Autosomal Recessive and X-Linked Classification Criteria (2023). Collection method: clinical testing. Allele origin: unknown.
Comment: This variant is considered pathogenic. This variant creates a termination codon and is predicted to result in premature protein truncation.

Mayo Clinic Laboratories, Mayo Clinic
Classification: Likely pathogenic. Review status: no assertion criteria provided. Collection method: clinical testing. Allele origin: unknown. Not counted in ClinVar's aggregate classification.